The following is an entry in ClinVar:

ClinVar aggregate classification (germline): Uncertain significance (1 of 4 stars; one submission).

Conditions:
Inborn genetic diseases. Identifiers: MedGen C0950123, MeSH D030342.

Submission:

Ambry Genetics
Classification: Uncertain significance for Inborn genetic diseases. Last evaluated: 2022-10-05. Review status: criteria provided, single submitter. Criteria: Ambry Variant Classification Scheme 2023. Collection method: clinical testing. Allele origin: germline.
Comment: The p.Y834S variant (also known as c.2501A>C), located in coding exon 16 of the EPAS1 gene, results from an A to C substitution at nucleotide position 2501. The tyrosine at codon 834 is replaced by serine, an amino acid with dissimilar properties. This amino acid position is conserved. In addition, this alteration is predicted to be tolerated by in silico analysis. Since supporting evidence is limited at this time, the clinical significance of this alteration remains unclear.

NM_001430.5(EPAS1):c.2501A>C (p.Tyr834Ser)

Gene: EPAS1 (endothelial PAS domain protein 1; plus strand). Cytogenetic location: 2p21.
Variant type: single nucleotide variant.
Coding change: c.2501A>C on transcript NM_001430.5 (MANE Select); coding-DNA position 2501, A replaced by C.
Protein change: p.Tyr834Ser; replaces tyrosine 834 with serine.
Molecular consequence: missense variant.
Genome position (GRCh38, 1-based): chr2:46,384,548, A>C. VCF-style: chr2-46384548-A-C. GRCh37 (hg19) VCF-style: chr2-46611687-A-C.
Other names: short protein forms Y834S.
Identifiers: ClinVar variation 1792254 (VCV001792254.2), dbSNP rs2546483624, ClinGen allele CA346707007.
Genomic context (GRCh38, chr2:46,384,548, plus strand): 5'-TGGTACCAACCCTTCTTTCAGGCATGGCAAGCCGGCTGCTCGGGCCCTCATTTGAGTCCT[A>C]CCTGCTGCCCGAACTGACCAGATATGACTGTGAGGTGAACGTGCCCGTGCTGGGAAGCTC-3'
Protein context (NP_001421.2, residues 824-844): SRLLGPSFES[Tyr834Ser]LLPELTRYDC